The following is an entry in ClinVar:

ClinVar aggregate classification (germline): Likely benign (1 of 4 stars; one submission).

gnomAD v4.1: 2,402 of 1,609,824 alleles (0.15%); highest among the groups gnomAD compares: Non-Finnish European, 0.12%; 10 homozygotes.

Submission:

CeGaT Center for Human Genetics Tuebingen
Classification: Likely benign. Last evaluated: 2026-03-01. Review status: criteria provided, single submitter. Criteria: CeGaT Center For Human Genetics Tuebingen Variant Classification Criteria Version 2. Collection method: clinical testing. Allele origin: germline. Affected: yes. Observed: 3 variant alleles.
Comment: TOGARAM1: BP4, BP7

NM_001308120.2(TOGARAM1):c.5043G>A (p.Thr1681=)

Gene: TOGARAM1 (TOG array regulator of axonemal microtubules 1; plus strand). Cytogenetic location: 14q21.2.
Variant type: single nucleotide variant.
Coding change: c.5043G>A on transcript NM_001308120.2 (MANE Select); coding-DNA position 5043, G replaced by A.
Protein change: p.Thr1681=; no amino-acid change (threonine 1681 retained).
Molecular consequence: synonymous variant. On other transcripts: non-coding transcript variant (1).
Genome position (GRCh38, 1-based): chr14:45,071,785, G>A. VCF-style: chr14-45071785-G-A. GRCh37 (hg19) VCF-style: chr14-45540988-G-A.
Other names: c.4884G>A, p.Thr1628= (NM_015091.4).
Identifiers: ClinVar variation 3257678 (VCV003257678.17).